The following is an entry in ClinVar:

ClinVar aggregate classification (germline): Pathogenic (1 of 4 stars; one submission).

Conditions:
Growth hormone insensitivity with immune dysregulation 1, autosomal recessive. Also called: LARON SYNDROME DUE TO POSTRECEPTOR DEFECT; GROWTH HORMONE INSENSITIVITY DUE TO POSTRECEPTOR DEFECT; GROWTH HORMONE INSENSITIVITY SYNDROME WITH IMMUNE DYSREGULATION 1, AUTOSOMAL RECESSIVE; Laron syndrome with immunodeficiency. Identifiers: Orphanet 220465, MedGen C5435698, MONDO:0100211, OMIM 245590.

Submission:

Labcorp Genetics (formerly Invitae), Labcorp
Classification: Pathogenic for Growth hormone insensitivity with immune dysregulation 1, autosomal recessive. Last evaluated: 2024-02-29. Review status: criteria provided, single submitter. Criteria: Invitae Variant Classification Sherloc (09022015). Collection method: clinical testing. Allele origin: germline.
Comment: This sequence change creates a premature translational stop signal (p.Leu82Tyrfs*2) in the STAT5B gene. It is expected to result in an absent or disrupted protein product. Loss-of-function variants in STAT5B are known to be pathogenic (PMID: 15827093). This variant is not present in population databases (gnomAD no frequency). This variant has not been reported in the literature in individuals affected with STAT5B-related conditions. Algorithms developed to predict the effect of sequence changes on RNA splicing suggest that this variant may disrupt the consensus splice site. For these reasons, this variant has been classified as Pathogenic.

Literature cited by the submitters: PubMed 15827093.

NM_012448.4(STAT5B):c.245del (p.Leu82fs)

Gene: STAT5B (signal transducer and activator of transcription 5B; minus strand). Cytogenetic location: 17q21.2.
Variant type: Deletion.
Coding change: c.245del on transcript NM_012448.4 (MANE Select); coding-DNA position 245, one base deleted (T; older notation c.245delT).
Protein change: p.Leu82fs; shifts the reading frame from leucine 82.
Molecular consequence: frameshift variant.
Genome position (GRCh38, 1-based): chr17:42,227,569, A deleted on the plus strand (T on the coding strand, the reverse complement: STAT5B is on the minus strand); the first of 5 consecutive A bases (chr17:42,227,569-42,227,573); deleting any one gives the same sequence. VCF-style (leftmost placement, unchanged base first): chr17-42227568-TA-T. GRCh37 (hg19) VCF-style: chr17-40379586-TA-T.
Other names: short protein forms L82fs.
Identifiers: ClinVar variation 3641526 (VCV003641526.2).